The following is an entry in ClinVar:

ClinVar aggregate classification (germline): Uncertain significance (1 of 4 stars; one submission).

Submission:

Mayo Clinic Laboratories, Mayo Clinic
Classification: Uncertain significance. Last evaluated: 2025-08-13. Review status: criteria provided, single submitter. Criteria: ACMG Guidelines, 2015. Collection method: clinical testing. Allele origin: germline. Observed: 1 variant allele.
Comment: BP4_moderate, PM2_supporting

NM_025137.4(SPG11):c.4759A>C (p.Thr1587Pro)

Gene: SPG11 (SPG11 vesicle trafficking associated, spatacsin; minus strand). Cytogenetic location: 15q21.1.
Variant type: single nucleotide variant.
Coding change: c.4759A>C on transcript NM_025137.4 (MANE Select); coding-DNA position 4759, A replaced by C.
Protein change: p.Thr1587Pro; replaces threonine 1587 with proline.
Molecular consequence: missense variant.
Genome position (GRCh38, 1-based): chr15:44,589,399, T>G on the plus strand (A>C on the coding strand, the complement: SPG11 is on the minus strand). VCF-style: chr15-44589399-T-G. GRCh37 (hg19) VCF-style: chr15-44881597-T-G.
Other names: p.Thr1587Pro; c.4759A>C, p.Thr1587Pro (NM_001160227.2, NM_001411132.1); short protein forms T1587P.
Identifiers: ClinVar variation 4541934 (VCV004541934.1).